The following is an entry in ClinVar:

NM_003128.3(SPTBN1):c.1492C>T (p.Arg498Cys)

Gene: SPTBN1 (spectrin beta, non-erythrocytic 1; plus strand). Cytogenetic location: 2p16.2.
Variant type: single nucleotide variant.
Coding change: c.1492C>T on transcript NM_003128.3 (MANE Select); coding-DNA position 1492, C replaced by T.
Protein change: p.Arg498Cys; replaces arginine 498 with cysteine.
Molecular consequence: missense variant.
Genome position (GRCh38, 1-based): chr2:54,626,082, C>T. VCF-style: chr2-54626082-C-T. GRCh37 (hg19) VCF-style: chr2-54853219-C-T.
Other names: c.1453C>T, p.Arg485Cys (NM_178313.3); c.1492C>T (NM_003128.2); short protein forms R485C, R498C.
Identifiers: ClinVar variation 2650919 (VCV002650919.25), dbSNP rs1678303092, ClinGen allele CA346872557.

ClinVar aggregate classification (germline): Uncertain significance. Review status: criteria provided, multiple submitters, no conflicts (2 of 4 stars). 2 submissions from 2 submitters: Uncertain significance (2). Last evaluated 2025-07-04.

Conditions:
Inborn genetic diseases. Identifiers: MedGen C0950123, MeSH D030342.

Allele frequency attached by ClinVar (database versions not stated): gnomAD exomes below 0.00001; TOPMed 0.00001.

Submissions (2):

Ambry Genetics
Classification: Uncertain significance for Inborn genetic diseases. Last evaluated: 2025-07-04. Review status: criteria provided, single submitter. Criteria: Ambry Variant Classification Scheme 2023. Collection method: clinical testing. Allele origin: germline.

CeGaT Center for Human Genetics Tuebingen
Classification: Uncertain significance. Last evaluated: 2023-06-01. Review status: criteria provided, single submitter. Criteria: CeGaT Center For Human Genetics Tuebingen Variant Classification Criteria Version 2. Collection method: clinical testing. Allele origin: germline. Affected: yes. Observed: 1 variant allele.
Comment: SPTBN1: PM2